The following is an entry in ClinVar:

NM_152419.3(HGSNAT):c.1772A>C (p.Asn591Thr)

Gene: HGSNAT (heparan-alpha-glucosaminide N-acetyltransferase; plus strand). Cytogenetic location: 8p11.21.
Variant type: single nucleotide variant.
Coding change: c.1772A>C on transcript NM_152419.3 (MANE Select); coding-DNA position 1772, A replaced by C.
Protein change: p.Asn591Thr; replaces asparagine 591 with threonine.
Molecular consequence: missense variant.
Genome position (GRCh38, 1-based): chr8:43,199,433, A>C. VCF-style: chr8-43199433-A-C. GRCh37 (hg19) VCF-style: chr8-43054576-A-C.
Other names: c.1859A>C, p.Asn620Thr (NM_001363227.2); c.1580A>C, p.Asn527Thr (NM_001363228.2); c.908A>C, p.Asn303Thr (NM_001363229.2); short protein forms N303T, N527T, N591T, N620T.
Identifiers: ClinVar variation 1004662 (VCV001004662.1), dbSNP rs1804845888, ClinGen allele CA371121229.

ClinVar aggregate classification (germline): Uncertain significance (1 of 4 stars; one submission).

Conditions:
Mucopolysaccharidosis, MPS-III-C (MPS3C). Also called: MPS IIIC (Sanfilippo Syndrome Type C); MUCOPOLYSACCHARIDOSIS, TYPE IIIC; Mucopolysaccharidosis type IIIC (Sanfilippo C); mucopolysaccharidosis type 3C; SANFILIPPO SYNDROME C; MPS III C. Identifiers: Orphanet 581, Orphanet 79271, MedGen C0086649, MONDO:0009657, OMIM 252930.
Retinitis pigmentosa 73 (RP73). Identifiers: Orphanet 791, MedGen C4225287, MONDO:0014687, OMIM 616544.

Submission:

Labcorp Genetics (formerly Invitae), Labcorp
Classification: Uncertain significance for Retinitis pigmentosa 73; Mucopolysaccharidosis, MPS-III-C. Last evaluated: 2020-03-30. Review status: criteria provided, single submitter. Criteria: Invitae Variant Classification Sherloc (09022015). Collection method: clinical testing. Allele origin: germline.
Comment: This sequence change replaces asparagine with threonine at codon 591 of the HGSNAT protein (p.Asn591Thr). The asparagine residue is moderately conserved and there is a small physicochemical difference between asparagine and threonine. This variant is not present in population databases (ExAC no frequency). This variant has not been reported in the literature in individuals with HGSNAT-related conditions. Algorithms developed to predict the effect of missense changes on protein structure and function (SIFT, PolyPhen-2, Align-GVGD) all suggest that this variant is likely to be tolerated, but these predictions have not been confirmed by published functional studies and their clinical significance is uncertain. In summary, the available evidence is currently insufficient to determine the role of this variant in disease. Therefore, it has been classified as a Variant of Uncertain Significance.